The following is an entry in ClinVar:

ClinVar aggregate classification (germline): Likely pathogenic (1 of 4 stars; one submission).

Submission:

Labcorp Genetics (formerly Invitae), Labcorp
Classification: Likely pathogenic. Last evaluated: 2024-09-08. Review status: criteria provided, single submitter. Criteria: Invitae Variant Classification Sherloc (09022015). Collection method: clinical testing. Allele origin: germline.
Comment: This sequence change replaces tryptophan, which is neutral and slightly polar, with cysteine, which is neutral and slightly polar, at codon 339 of the ABCA4 protein (p.Trp339Cys). This variant is not present in population databases (gnomAD no frequency). This variant has not been reported in the literature in individuals affected with ABCA4-related conditions. Invitae Evidence Modeling of protein sequence and biophysical properties (such as structural, functional, and spatial information, amino acid conservation, physicochemical variation, residue mobility, and thermodynamic stability) indicates that this missense variant is expected to disrupt ABCA4 protein function with a positive predictive value of 95%. Studies have shown that this missense change does not significantly alter or has an unclear effect on ABCA4 gene expression (PMID: 34954332). This variant disrupts the p.Trp339 amino acid residue in ABCA4. Other variant(s) that disrupt this residue have been determined to be pathogenic (PMID: 11379881, 28559085). This suggests that this residue is clinically significant, and that variants that disrupt this residue are likely to be disease-causing. In summary, the currently available evidence indicates that the variant is pathogenic, but additional data are needed to prove that conclusively. Therefore, this variant has been classified as Likely Pathogenic.

Literature cited by the submitters: PubMed 34954332; PubMed 11379881; PubMed 28559085.

NM_000350.3(ABCA4):c.1017G>T (p.Trp339Cys)

Gene: ABCA4 (ATP binding cassette subfamily A member 4; minus strand). Cytogenetic location: 1p22.1.
Variant type: single nucleotide variant.
Coding change: c.1017G>T on transcript NM_000350.3 (MANE Select); coding-DNA position 1017, G replaced by T.
Protein change: p.Trp339Cys; replaces tryptophan 339 with cysteine.
Molecular consequence: missense variant.
Genome position (GRCh38, 1-based): chr1:94,080,560, C>A on the plus strand (G>T on the coding strand, the complement: ABCA4 is on the minus strand). VCF-style: chr1-94080560-C-A. GRCh37 (hg19) VCF-style: chr1-94546116-C-A.
Other names: c.1017G>T, p.Trp339Cys (NM_001425324.1); short protein forms W339C.
Identifiers: ClinVar variation 3666706 (VCV003666706.2).